The following is an entry in ClinVar:

ClinVar aggregate classification (germline): Likely benign (1 of 4 stars; one submission).

Allele frequency attached by ClinVar (database versions not stated): ExAC 0.00054; 1000 Genomes Project 0.00280; gnomAD exomes 0.00366; 1000 Genomes Project 30x 0.00703; gnomAD 0.00882.
gnomAD v4.1: 6,714 of 1,601,774 alleles (0.42%); highest among the groups gnomAD compares: Middle Eastern, 0.95%; 86 homozygotes.

Submission:

CeGaT Center for Human Genetics Tuebingen
Classification: Likely benign. Last evaluated: 2022-11-01. Review status: criteria provided, single submitter. Criteria: CeGaT Center For Human Genetics Tuebingen Variant Classification Criteria Version 2. Collection method: clinical testing. Allele origin: germline. Affected: yes. Observed: 2 variant alleles.
Comment: ZNF354A: BP4, BP7, BS2

NM_005649.3(ZNF354A):c.1500G>C (p.Gly500=)

Gene: ZNF354A (zinc finger protein 354A; minus strand). Cytogenetic location: 5q35.3.
Variant type: single nucleotide variant.
Coding change: c.1500G>C on transcript NM_005649.3 (MANE Select); coding-DNA position 1500, G replaced by C.
Protein change: p.Gly500=; no amino-acid change (glycine 500 retained).
Molecular consequence: synonymous variant.
Genome position (GRCh38, 1-based): chr5:178,712,378, C>G on the plus strand (G>C on the coding strand, the complement: ZNF354A is on the minus strand). VCF-style: chr5-178712378-C-G. GRCh37 (hg19) VCF-style: chr5-178139379-C-G.
Other names: c.1374G>C, p.Gly458= (NM_001324339.2).
Identifiers: ClinVar variation 2656128 (VCV002656128.24), dbSNP rs201342253, ClinGen allele CA3592045.
Genomic context (GRCh38, chr5:178,712,378, plus strand): 5'-TTTCTCTCCAGTATGAATTCTCTGGTGATTACTAAGTGATGAGTTACACCTGAATGTTTT[C>G]CCACACTCGTTACATTTATAGGGTCTTTCTCCAGTATGCATTCTCTGATGTTGAATGAGA-3'
Protein context (NP_005640.2, residues 490-510): GERPYKCNEC[Gly500=]KTFRCNSSLS